The following is an entry in ClinVar:

ClinVar aggregate classification (germline): Uncertain significance. Review status: criteria provided, multiple submitters, no conflicts (2 of 4 stars). 2 submissions from 2 submitters: Uncertain significance (2). Last evaluated 2024-11-05.

Allele frequency attached by ClinVar (database versions not stated): ExAC 0.00001; gnomAD exomes 0.00001 and 0.00002; gnomAD 0.00002; TOPMed 0.00002.
gnomAD v4.1: 24 of 1,559,996 alleles (0.0015%); highest among the groups gnomAD compares: Admixed American, 0.0021%; no homozygotes.

Submissions (2):

Labcorp Genetics (formerly Invitae), Labcorp
Classification: Uncertain significance. Last evaluated: 2024-11-05. Review status: criteria provided, single submitter. Criteria: Invitae Variant Classification Sherloc (09022015). Collection method: clinical testing. Allele origin: germline.
Comment: This sequence change replaces glycine, which is neutral and non-polar, with alanine, which is neutral and non-polar, at codon 1423 of the COL4A2 protein (p.Gly1423Ala). This variant is present in population databases (rs759437629, gnomAD 0.04%). This missense change has been observed in individual(s) with clinical features of porencephaly (internal data). ClinVar contains an entry for this variant (Variation ID: 422971). Invitae Evidence Modeling of protein sequence and biophysical properties (such as structural, functional, and spatial information, amino acid conservation, physicochemical variation, residue mobility, and thermodynamic stability) has been performed for this missense variant. However, the output from this modeling did not meet the statistical confidence thresholds required to predict the impact of this variant on COL4A2 protein function. In summary, the available evidence is currently insufficient to determine the role of this variant in disease. Therefore, it has been classified as a Variant of Uncertain Significance.

GeneDx
Classification: Uncertain significance. Last evaluated: 2021-07-10. Review status: criteria provided, single submitter. Criteria: GeneDx Variant Classification Process June 2021. Collection method: clinical testing. Allele origin: germline. Affected: yes.
Comment: In silico analysis supports that this missense variant has a deleterious effect on protein structure/function; Affects a glycine residue in a Gly-X-Y motif in the triple helical region of the COL4A2 gene; Has not been previously published as pathogenic or benign to our knowledge; This variant is associated with the following publications: (PMID: 27535533)

NM_001846.4(COL4A2):c.4268G>C (p.Gly1423Ala)

Genes: COL4A2 (collagen type IV alpha 2 chain; plus strand), COL4A2-AS1 (COL4A2 antisense RNA 1; minus strand). Cytogenetic location: 13q34.
Variant type: single nucleotide variant.
Coding change: c.4268G>C on transcript NM_001846.4 (MANE Select); coding-DNA position 4268, G replaced by C.
Protein change: p.Gly1423Ala; replaces glycine 1423 with alanine.
Molecular consequence: missense variant.
Genome position (GRCh38, 1-based): chr13:110,503,976, G>C. VCF-style: chr13-110503976-G-C. GRCh37 (hg19) VCF-style: chr13-111156323-G-C.
Other names: short protein forms G1423A.
Identifiers: ClinVar variation 422971 (VCV000422971.8), dbSNP rs759437629, ClinGen allele CA7050462.